The following is an entry in ClinVar:

ClinVar aggregate classification (germline): Likely benign. Review status: criteria provided, multiple submitters, no conflicts (2 of 4 stars). 2 submissions from 2 submitters: Likely benign (2). Last evaluated 2018-06-14.

Allele frequency attached by ClinVar (database versions not stated): gnomAD exomes 0.00087 and 0.00157; ExAC 0.00453; gnomAD 0.00788 and 0.00850; 1000 Genomes Project 0.00859; TOPMed 0.00869; 1000 Genomes Project 30x 0.00968.
gnomAD v4.1: 1,683 of 690,584 alleles (0.24%); highest among the groups gnomAD compares: African/African-American, 2.7%; 21 homozygotes.

Submissions (2):

GeneDx
Classification: Likely benign. Last evaluated: 2018-06-14. Review status: criteria provided, single submitter. Criteria: GeneDx Variant Classification (06012015). Collection method: clinical testing. Allele origin: germline. Affected: yes.
Comment: This variant is considered likely benign or benign based on one or more of the following criteria: it is a conservative change, it occurs at a poorly conserved position in the protein, it is predicted to be benign by multiple in silico algorithms, and/or has population frequency not consistent with disease.

Breakthrough Genomics
Classification: Likely benign. Review status: criteria provided, single submitter. Criteria: ACMG Guidelines, 2015. Collection method: not provided. Allele origin: germline. Inheritance: Autosomal recessive inheritance. Affected: yes.

NM_000532.5(PCCB):c.373-173G>A

Gene: PCCB (propionyl-CoA carboxylase subunit beta; plus strand). Cytogenetic location: 3q22.3.
Variant type: single nucleotide variant.
Coding change: c.373-173G>A on transcript NM_000532.5 (MANE Select); 173 bases into the intron before coding-DNA position 373, G replaced by A.
Molecular consequence: intron variant.
Genome position (GRCh38, 1-based): chr3:136,260,306, G>A. VCF-style: chr3-136260306-G-A. GRCh37 (hg19) VCF-style: chr3-135979148-G-A.
Other names: c.433-173G>A (NM_001178014.2).
Identifiers: ClinVar variation 673228 (VCV000673228.2), dbSNP rs116077473, ClinGen allele CA2631718.